The following is an entry in ClinVar:

ClinVar aggregate classification (germline): Likely pathogenic (1 of 4 stars; one submission).

Conditions:
Cerebellar ataxia. Identifiers: Orphanet 102002, MedGen C0007758, MONDO:0000437.
Abnormal facial shape. Also called: Dysmorphic facies; Dysmorphic facial features. Identifiers: MedGen C0424503, HP:0001999.
Coats disease. Also called: RETINAL TELANGIECTASIS; NDP-Related Coats Disease. Identifiers: Orphanet 190, MedGen C5964756, MONDO:0010269, OMIM 300216.
Dystonic disorder. Also called: Dystonia. Identifiers: MedGen C0013421, MONDO:0003441, HP:0001332.

Allele frequency attached by ClinVar (database versions not stated): gnomAD exomes below 0.00001; ExAC 0.00001; gnomAD 0.00001; 1000 Genomes Project 30x 0.00016; 1000 Genomes Project 0.00020.
gnomAD v4.1: 2 of 1,614,122 alleles (0.00012%); highest among the groups gnomAD compares: South Asian, 0.0022%; no homozygotes.

Submission:

Diagnostics Division, CENTRE FOR DNA FINGERPRINTING AND DIAGNOSTICS
Classification: Likely pathogenic for Abnormal facial shape; Exudative retinopathy; Ataxia; Dystonic disorder. Review status: criteria provided, single submitter. Criteria: ACMG Guidelines, 2015. Collection method: research. Allele origin: germline. Inheritance: Autosomal recessive inheritance. Affected: yes. Observed: 1 homozygote.
Comment: Nonsense variant

Literature cited by the submitters: PubMed 30459466.

NM_016580.4(PCDH12):c.2008G>T (p.Glu670Ter)

Genes: PCDH12 (protocadherin 12; minus strand), RNF14 (ring finger protein 14; plus strand). Cytogenetic location: 5q31.3.
Variant type: single nucleotide variant.
Coding change: c.2008G>T on transcript NM_016580.4 (MANE Select); coding-DNA position 2008, G replaced by T.
Protein change: p.Glu670Ter; replaces glutamic acid 670 with a stop codon.
Molecular consequence: nonsense.
Genome position (GRCh38, 1-based): chr5:141,955,844, C>A on the plus strand (G>T on the coding strand, the complement: PCDH12 is on the minus strand). VCF-style: chr5-141955844-C-A. GRCh37 (hg19) VCF-style: chr5-141335409-C-A.
Other names: short protein forms E670*.
Identifiers: ClinVar variation 619128 (VCV000619128.3), dbSNP rs531630376, ClinGen allele CA3484306.